The following is an entry in ClinVar:

NM_000127.3(EXT1):c.1763G>C (p.Arg588Thr)

Gene: EXT1 (exostosin glycosyltransferase 1; minus strand). Cytogenetic location: 8q24.11.
Variant type: single nucleotide variant.
Coding change: c.1763G>C on transcript NM_000127.3 (MANE Select); coding-DNA position 1763, G replaced by C.
Protein change: p.Arg588Thr; replaces arginine 588 with threonine.
Molecular consequence: missense variant.
Genome position (GRCh38, 1-based): chr8:117,807,337, C>G on the plus strand (G>C on the coding strand, the complement: EXT1 is on the minus strand). VCF-style: chr8-117807337-C-G. GRCh37 (hg19) VCF-style: chr8-118819576-C-G.
Other names: short protein forms R588T.
Identifiers: ClinVar variation 4694839 (VCV004694839.1).

ClinVar aggregate classification (germline): Uncertain significance (1 of 4 stars; one submission).

Conditions:
Multiple congenital exostosis (EXT). Also called: Multiple exostoses; Hereditary multiple osteochondromas; Hereditary multiple exostoses; Hereditary multiple exostosis; MULTIPLE CARTILAGINOUS EXOSTOSES; Multiple osteochondromas. Identifiers: Orphanet 321, MedGen C0015306, MONDO:0005508, HP:0002762.

Submission:

Labcorp Genetics (formerly Invitae), Labcorp
Classification: Uncertain significance for Multiple congenital exostosis. Last evaluated: 2025-06-09. Review status: criteria provided, single submitter. Criteria: Invitae Variant Classification Sherloc (09022015). Collection method: clinical testing. Allele origin: germline.
Comment: This sequence change replaces arginine, which is basic and polar, with threonine, which is neutral and polar, at codon 588 of the EXT1 protein (p.Arg588Thr). This variant is not present in population databases (gnomAD no frequency). This variant has not been reported in the literature in individuals affected with EXT1-related conditions. Invitae Evidence Modeling of protein sequence and biophysical properties (such as structural, functional, and spatial information, amino acid conservation, physicochemical variation, residue mobility, and thermodynamic stability) indicates that this missense variant is expected to disrupt EXT1 protein function with a positive predictive value of 80%. In summary, the available evidence is currently insufficient to determine the role of this variant in disease. Therefore, it has been classified as a Variant of Uncertain Significance.